The following is an entry in ClinVar:

NM_001080512.3(BICC1):c.1453T>A (p.Leu485Met)

Gene: BICC1 (BicC family RNA binding protein 1; plus strand). Cytogenetic location: 10q21.1.
Variant type: single nucleotide variant.
Coding change: c.1453T>A on transcript NM_001080512.3 (MANE Select); coding-DNA position 1453, T replaced by A.
Protein change: p.Leu485Met; replaces leucine 485 with methionine.
Molecular consequence: missense variant.
Genome position (GRCh38, 1-based): chr10:58,798,485, T>A. VCF-style: chr10-58798485-T-A. GRCh37 (hg19) VCF-style: chr10-60558245-T-A.
Other names: c.1453T>A (NM_001080512.1); short protein forms L485M.
Identifiers: ClinVar variation 3596080 (VCV003596080.4).

ClinVar aggregate classification (germline): Conflicting classifications of pathogenicity. Review status: criteria provided, conflicting classifications (1 of 4 stars). 3 submissions from 3 submitters: Uncertain significance (2); Likely benign (1). Last evaluated 2025-09-11.

Conditions:
Renal dysplasia, cystic, susceptibility to. Identifiers: MedGen C3275898, MONDO:0011037, OMIM 601331.

gnomAD v4.1: 27 of 1,613,302 alleles (0.0017%); highest among the groups gnomAD compares: African/African-American, 0.035%; no homozygotes.

Submissions (3):

Ambry Genetics
Classification: Likely benign. Last evaluated: 2025-09-11. Review status: criteria provided, single submitter. Criteria: Ambry Variant Classification Scheme 2023. Collection method: clinical testing. Allele origin: germline.

Labcorp Genetics (formerly Invitae), Labcorp
Classification: Uncertain significance. Last evaluated: 2025-08-20. Review status: criteria provided, single submitter. Criteria: Invitae Variant Classification Sherloc (09022015). Collection method: clinical testing. Allele origin: germline.
Comment: This sequence change replaces leucine, which is neutral and non-polar, with methionine, which is neutral and non-polar, at codon 485 of the BICC1 protein (p.Leu485Met). This variant is present in population databases (rs143559335, gnomAD 0.02%). This variant has not been reported in the literature in individuals affected with BICC1-related conditions. ClinVar contains an entry for this variant (Variation ID: 3596080). An algorithm developed to predict the effect of missense changes on protein structure and function (PolyPhen-2) suggests that this variant is likely to be disruptive. In summary, the available evidence is currently insufficient to determine the role of this variant in disease. Therefore, it has been classified as a Variant of Uncertain Significance.

Fulgent Genetics
Classification: Uncertain significance for Renal dysplasia, cystic, susceptibility to. Last evaluated: 2024-02-02. Review status: criteria provided, single submitter. Criteria: ACMG Guidelines, 2015. Collection method: clinical testing. Allele origin: germline.